The following is an entry in ClinVar:

NM_000533.5(PLP1):c.453+8T>C

Genes: RAB9B (RAB9B, member RAS oncogene family; minus strand), PLP1 (proteolipid protein 1; plus strand). Cytogenetic location: Xq22.2.
Variant type: single nucleotide variant.
Coding change: c.453+8T>C on transcript NM_000533.5 (MANE Select); 8 bases into the intron after coding-DNA position 453, T replaced by C.
Molecular consequence: intron variant.
Genome position (GRCh38, 1-based): chrX:103,786,734, T>C. VCF-style: chrX-103786734-T-C. GRCh37 (hg19) VCF-style: chrX-103041663-T-C.
Other names: c.453+8T>C (NM_001128834.3); c.348+113T>C (NM_199478.3); c.288+8T>C (NM_001305004.1).
Identifiers: ClinVar variation 2770347 (VCV002770347.4), dbSNP rs1451785682, ClinGen allele CA644062727.

ClinVar aggregate classification (germline): Conflicting classifications of pathogenicity. Review status: criteria provided, conflicting classifications (1 of 4 stars). 2 submissions from 2 submitters: Uncertain significance (1); Likely benign (1). Last evaluated 2024-12-09.

Conditions:
Hereditary spastic paraplegia 2 (SPG2). Also called: Spastic Paraplegia 2 (SPG2); SPASTIC PARAPLEGIA 2, X-LINKED. Identifiers: Orphanet 99015, MedGen C0751604, MONDO:0010733, OMIM 312920.

gnomAD v4.1: 2 of 1,210,588 alleles (0.00017%); highest among the groups gnomAD compares: Admixed American, 0.0043%; no homozygotes.

Submissions (2):

GeneDx
Classification: Uncertain significance. Last evaluated: 2024-12-09. Review status: criteria provided, single submitter. Criteria: GeneDx Variant Classification Process June 2021. Collection method: clinical testing. Allele origin: germline. Affected: yes.
Comment: In silico analysis indicates that this variant does not alter splicing; Has not been previously published as pathogenic or benign to our knowledge

Labcorp Genetics (formerly Invitae), Labcorp
Classification: Likely benign for Hereditary spastic paraplegia 2. Last evaluated: 2023-10-22. Review status: criteria provided, single submitter. Criteria: Invitae Variant Classification Sherloc (09022015). Collection method: clinical testing. Allele origin: germline.